The following is an entry in ClinVar:

ClinVar aggregate classification (germline): Uncertain significance. Review status: criteria provided, multiple submitters, no conflicts (2 of 4 stars). 2 submissions from 2 submitters: Uncertain significance (2). Last evaluated 2026-06-02.

gnomAD v4.1: 4 of 1,614,074 alleles (0.00025%); highest among the groups gnomAD compares: Non-Finnish European, 0.00034%; no homozygotes.

Submissions (2):

Greenwood Genetic Center Diagnostic Laboratories, Greenwood Genetic Center
Classification: Uncertain significance. Last evaluated: 2026-06-02. Review status: criteria provided, single submitter. Criteria: ACMG Guidelines, 2015. Collection method: clinical testing. Allele origin: germline.
Comment: PP2

GeneDx
Classification: Uncertain significance. Last evaluated: 2025-10-31. Review status: criteria provided, single submitter. Criteria: GeneDx Variant Classification Process June 2021. Collection method: clinical testing. Allele origin: germline. Affected: yes.
Comment: Not observed at significant frequency in large population cohorts (gnomAD); In silico analysis supports that this missense variant has a deleterious effect on protein structure/function; Has not been previously published as pathogenic or benign to our knowledge

NM_001130438.3(SPTAN1):c.1420C>T (p.Arg474Trp)

Gene: SPTAN1 (spectrin alpha, non-erythrocytic 1; plus strand). Cytogenetic location: 9q34.11.
Variant type: single nucleotide variant.
Coding change: c.1420C>T on transcript NM_001130438.3 (MANE Select); coding-DNA position 1420, C replaced by T.
Protein change: p.Arg474Trp; replaces arginine 474 with tryptophan.
Molecular consequence: missense variant.
Genome position (GRCh38, 1-based): chr9:128,581,018, C>T. VCF-style: chr9-128581018-C-T. GRCh37 (hg19) VCF-style: chr9-131343297-C-T.
Other names: c.1420C>T, p.Arg474Trp (NM_001195532.2, NM_001363759.2, NM_001363765.2 and 5 more transcripts); c.1456C>T, p.Arg486Trp (NM_001375312.2, NM_001375318.1); short protein forms R474W, R486W.
Identifiers: ClinVar variation 1201191 (VCV001201191.7), dbSNP rs1461072315, ClinGen allele CA375053703.